The following is an entry in ClinVar:

ClinVar aggregate classification (germline): Uncertain significance (1 of 4 stars; one submission).

Submission:

Labcorp Genetics (formerly Invitae), Labcorp
Classification: Uncertain significance. Last evaluated: 2024-08-30. Review status: criteria provided, single submitter. Criteria: Invitae Variant Classification Sherloc (09022015). Collection method: clinical testing. Allele origin: germline.
Comment: This sequence change replaces histidine, which is basic and polar, with tyrosine, which is neutral and polar, at codon 198 of the PMPCB protein (p.His198Tyr). This variant is not present in population databases (gnomAD no frequency). This variant has not been reported in the literature in individuals affected with PMPCB-related conditions. Invitae Evidence Modeling of protein sequence and biophysical properties (such as structural, functional, and spatial information, amino acid conservation, physicochemical variation, residue mobility, and thermodynamic stability) indicates that this missense variant is expected to disrupt PMPCB protein function with a positive predictive value of 80%. Algorithms developed to predict the effect of sequence changes on RNA splicing suggest that this variant may create or strengthen a splice site. In summary, the available evidence is currently insufficient to determine the role of this variant in disease. Therefore, it has been classified as a Variant of Uncertain Significance.

NM_004279.3(PMPCB):c.592C>T (p.His198Tyr)

Gene: PMPCB (peptidase, mitochondrial processing subunit beta; plus strand). Cytogenetic location: 7q22.1.
Variant type: single nucleotide variant.
Coding change: c.592C>T on transcript NM_004279.3 (MANE Select); coding-DNA position 592, C replaced by T.
Protein change: p.His198Tyr; replaces histidine 198 with tyrosine.
Molecular consequence: missense variant.
Genome position (GRCh38, 1-based): chr7:103,303,976, C>T. VCF-style: chr7-103303976-C-T. GRCh37 (hg19) VCF-style: chr7-102944423-C-T.
Other names: short protein forms H198Y.
Identifiers: ClinVar variation 3652710 (VCV003652710.2).